The following is an entry in ClinVar:

ClinVar aggregate classification (germline): Likely benign. Review status: criteria provided, single submitter (1 of 4 stars). 2 submissions from 2 submitters: Likely benign (1). 1 of the submissions does not count toward it. Last evaluated 2025-12-25.

Conditions:
MCCC1-related disorder. Also called: MCCC1-related condition.
3-methylcrotonyl-CoA carboxylase 1 deficiency (MCC1D). Also called: MCCD TYPE 1; METHYLCROTONYLGLYCINURIA TYPE I; MCC 1 deficiency; 3 Alpha methylcrotonylglycinuria 1. Identifiers: Orphanet 6, MedGen CN028786, MONDO:0008861, OMIM 210200.

Allele frequency attached by ClinVar (database versions not stated): gnomAD 0.00001; TOPMed 0.00004; gnomAD exomes 0.00008; ExAC 0.00010.
gnomAD v4.1: 36 of 1,614,014 alleles (0.0022%); highest among the groups gnomAD compares: Admixed American, 0.012%; no homozygotes.

Submissions (2):

Labcorp Genetics (formerly Invitae), Labcorp
Classification: Likely benign for 3-methylcrotonyl-CoA carboxylase 1 deficiency. Last evaluated: 2025-12-25. Review status: criteria provided, single submitter. Criteria: Invitae Variant Classification Sherloc (09022015). Collection method: clinical testing. Allele origin: germline.

PreventionGenetics, part of Exact Sciences
Classification: Likely benign for MCCC1-related condition. Last evaluated: 2019-04-02. Review status: no assertion criteria provided. Collection method: clinical testing. Allele origin: germline. Not counted in ClinVar's aggregate classification.
Comment: This variant is classified as likely benign based on ACMG/AMP sequence variant interpretation guidelines (Richards et al. 2015 PMID: 25741868, with internal and published modifications).

NM_020166.5(MCCC1):c.2172G>A (p.Ser724=)

Gene: MCCC1 (methylcrotonyl-CoA carboxylase subunit 1; minus strand). Cytogenetic location: 3q27.1.
Variant type: single nucleotide variant.
Coding change: c.2172G>A on transcript NM_020166.5 (MANE Select); coding-DNA position 2172, G replaced by A.
Protein change: p.Ser724=; no amino-acid change (serine 724 retained).
Molecular consequence: synonymous variant. On other transcripts: non-coding transcript variant (2).
Genome position (GRCh38, 1-based): chr3:183,015,444, C>T on the plus strand (G>A on the coding strand, the complement: MCCC1 is on the minus strand). VCF-style: chr3-183015444-C-T. GRCh37 (hg19) VCF-style: chr3-182733232-C-T.
Other names: c.1821G>A, p.Ser607= (NM_001293273.2); c.1845G>A, p.Ser615= (NM_001363880.1); c.2172G>A (NM_020166.4).
Identifiers: ClinVar variation 1157219 (VCV001157219.11), dbSNP rs781286566, ClinGen allele CA2718544.